The following is an entry in ClinVar:

ClinVar aggregate classification (germline): Uncertain significance (1 of 4 stars; one submission).

Conditions:
Nephronophthisis 14 (NPHP14). Identifiers: Orphanet 2318, MedGen C3539071, MONDO:0013916, OMIM 614844.

gnomAD v4.1: 38 of 1,614,084 alleles (0.0024%); highest among the groups gnomAD compares: Middle Eastern, 0.033%; no homozygotes.

Submission:

Labcorp Genetics (formerly Invitae), Labcorp
Classification: Uncertain significance for Nephronophthisis 14. Last evaluated: 2017-12-05. Review status: criteria provided, single submitter. Criteria: Invitae Variant Classification Sherloc (09022015). Collection method: clinical testing. Allele origin: germline.
Comment: This sequence change replaces threonine with methionine at codon 116 of the ZNF423 protein (p.Thr116Met). The threonine residue is moderately conserved and there is a moderate physicochemical difference between threonine and methionine. This variant is present in population databases (rs376833288, ExAC 0.01%). This variant has not been reported in the literature in individuals with ZNF423-related disease. Algorithms developed to predict the effect of missense changes on protein structure and function do not agree on the potential impact of this missense change (SIFT: "Deleterious"; PolyPhen-2: "Benign"; Align-GVGD: "Class C0"). In summary, the available evidence is currently insufficient to determine the role of this variant in disease. Therefore, it has been classified as a Variant of Uncertain Significance.

NM_001379286.1(ZNF423):c.371C>T (p.Thr124Met)

Gene: ZNF423 (zinc finger protein 423; minus strand). Cytogenetic location: 16q12.1.
Variant type: single nucleotide variant.
Coding change: c.371C>T on transcript NM_001379286.1 (MANE Select); coding-DNA position 371, C replaced by T.
Protein change: p.Thr124Met; replaces threonine 124 with methionine.
Molecular consequence: missense variant. On other transcripts: 5 prime UTR variant (1).
Genome position (GRCh38, 1-based): chr16:49,638,805, G>A on the plus strand (C>T on the coding strand, the complement: ZNF423 is on the minus strand). VCF-style: chr16-49638805-G-A. GRCh37 (hg19) VCF-style: chr16-49672716-G-A.
Other names: c.167C>T, p.Thr56Met (NM_001271620.2); c.-5C>T (NM_001330533.2); c.347C>T, p.Thr116Met (NM_015069.5); short protein forms T116M, T56M, T124M.
Identifiers: ClinVar variation 540271 (VCV000540271.1), dbSNP rs376833288, ClinGen allele CA8046886.